The following is an entry in ClinVar:

ClinVar aggregate classification (germline): Uncertain significance (1 of 4 stars; one submission).

Conditions:
Parkinson disease 17 (PARK17). Also called: VPS35-Related Parkinson Disease. Identifiers: Orphanet 411602, MedGen C3280133, MONDO:0013625, OMIM 614203.

Allele frequency attached by ClinVar (database versions not stated): gnomAD 0.00001; gnomAD exomes 0.00001; TOPMed 0.00001.
gnomAD v4.1: 11 of 1,613,874 alleles (0.00068%); highest among the groups gnomAD compares: South Asian, 0.0011%; no homozygotes.

Submission:

Labcorp Genetics (formerly Invitae), Labcorp
Classification: Uncertain significance for Parkinson disease 17. Last evaluated: 2021-06-30. Review status: criteria provided, single submitter. Criteria: Invitae Variant Classification Sherloc (09022015). Collection method: clinical testing. Allele origin: germline.
Comment: Algorithms developed to predict the effect of sequence changes on RNA splicing suggest that this variant may create or strengthen a splice site. In summary, the available evidence is currently insufficient to determine the role of this variant in disease. Therefore, it has been classified as a Variant of Uncertain Significance. This sequence change replaces glycine with arginine at codon 692 of the VPS35 protein (p.Gly692Arg). The glycine residue is moderately conserved and there is a moderate physicochemical difference between glycine and arginine. This variant is not present in population databases (ExAC no frequency). This variant has not been reported in the literature in individuals affected with VPS35-related conditions. Algorithms developed to predict the effect of missense changes on protein structure and function are either unavailable or do not agree on the potential impact of this missense change (SIFT: "Tolerated"; PolyPhen-2: "Possibly Damaging"; Align-GVGD: "Class C0").

NM_018206.6(VPS35):c.2074G>A (p.Gly692Arg)

Gene: VPS35 (VPS35 retromer complex component; minus strand). Cytogenetic location: 16q11.2.
Variant type: single nucleotide variant.
Coding change: c.2074G>A on transcript NM_018206.6 (MANE Select); coding-DNA position 2074, G replaced by A.
Protein change: p.Gly692Arg; replaces glycine 692 with arginine.
Molecular consequence: missense variant.
Genome position (GRCh38, 1-based): chr16:46,661,855, C>T on the plus strand (G>A on the coding strand, the complement: VPS35 is on the minus strand). VCF-style: chr16-46661855-C-T. GRCh37 (hg19) VCF-style: chr16-46695767-C-T.
Other names: short protein forms G692R.
Identifiers: ClinVar variation 1470508 (VCV001470508.8), dbSNP rs1247681468, ClinGen allele CA395803021.